The following is an entry in ClinVar:

ClinVar aggregate classification (germline): Conflicting classifications of pathogenicity. Review status: criteria provided, conflicting classifications (1 of 4 stars). 5 submissions from 3 submitters: Uncertain significance (3); Likely benign (1). 1 of the submissions does not count toward it. Last evaluated 2025-12-24.

Conditions:
Complement component 3 deficiency. Identifiers: Orphanet 280133, MedGen C3151071, MONDO:0013417, OMIM 613779.
C3-related disorder. Also called: C3-related condition.
Age related macular degeneration 9. Identifiers: MedGen C1969651, MONDO:0012659, OMIM 611378.
Atypical hemolytic-uremic syndrome with C3 anomaly. Also called: AHUS, SUSCEPTIBILITY TO, 5. Identifiers: Orphanet 2134, MedGen C2752037, MONDO:0013043, OMIM 612925.

Allele frequency attached by ClinVar (database versions not stated): ExAC 0.00001; ESP Exome Variant Server 0.00008; TOPMed 0.00013.
gnomAD v4.1: 256 of 1,613,578 alleles (0.016%); highest among the groups gnomAD compares: Non-Finnish European, 0.021%; no homozygotes.

Submissions (5):

Labcorp Genetics (formerly Invitae), Labcorp
Classification: Likely benign. Last evaluated: 2025-12-24. Review status: criteria provided, single submitter. Criteria: Invitae Variant Classification Sherloc (09022015). Collection method: clinical testing. Allele origin: germline.

Illumina Laboratory Services, Illumina
Classification: Uncertain significance for Age related macular degeneration 9. Last evaluated: 2018-01-13. Review status: criteria provided, single submitter. Criteria: ICSL Variant Classification Criteria 13 December 2019. Collection method: clinical testing. Allele origin: germline.

Illumina Laboratory Services, Illumina
Classification: Uncertain significance for Complement component 3 deficiency. Last evaluated: 2018-01-13. Review status: criteria provided, single submitter. Criteria: ICSL Variant Classification Criteria 13 December 2019. Collection method: clinical testing. Allele origin: germline.

Illumina Laboratory Services, Illumina
Classification: Uncertain significance for Atypical hemolytic-uremic syndrome with C3 anomaly. Last evaluated: 2018-01-13. Review status: criteria provided, single submitter. Criteria: ICSL Variant Classification Criteria 13 December 2019. Collection method: clinical testing. Allele origin: germline.

PreventionGenetics, part of Exact Sciences
Classification: Likely benign for C3-related condition. Last evaluated: 2023-10-20. Review status: no assertion criteria provided. Collection method: clinical testing. Allele origin: germline. Not counted in ClinVar's aggregate classification.
Comment: This variant is classified as likely benign based on ACMG/AMP sequence variant interpretation guidelines (Richards et al. 2015 PMID: 25741868, with internal and published modifications).

NM_000064.4(C3):c.2670C>G (p.Pro890=)

Gene: C3 (complement C3; minus strand). Cytogenetic location: 19p13.3.
Variant type: single nucleotide variant.
Coding change: c.2670C>G on transcript NM_000064.4 (MANE Select); coding-DNA position 2670, C replaced by G.
Protein change: p.Pro890=; no amino-acid change (proline 890 retained).
Molecular consequence: synonymous variant.
Genome position (GRCh38, 1-based): chr19:6,697,470, G>C on the plus strand (C>G on the coding strand, the complement: C3 is on the minus strand). VCF-style: chr19-6697470-G-C. GRCh37 (hg19) VCF-style: chr19-6697481-G-C.
Other names: c.2670C>G (NM_000064.3).
Identifiers: ClinVar variation 893862 (VCV000893862.13), dbSNP rs137956083, ClinGen allele CA9129002.